The following is an entry in ClinVar:

ClinVar aggregate classification (germline): Conflicting classifications of pathogenicity. Review status: criteria provided, conflicting classifications (1 of 4 stars). 4 submissions from 4 submitters: Uncertain significance (1); Likely benign (3). Last evaluated 2026-03-25.

Conditions:
TRIM37-related disorder. Also called: TRIM37-related condition.
Mulibrey nanism syndrome. Also called: MUSCLE-LIVER-BRAIN-EYE NANISM; PERHEENTUPA SYNDROME; PERICARDIAL CONSTRICTION AND GROWTH FAILURE. Identifiers: Orphanet 2576, MedGen C0524582, MONDO:0009664, OMIM 253250.

Allele frequency attached by ClinVar (database versions not stated): gnomAD exomes 0.00009 and 0.00016; ExAC 0.00019; ESP Exome Variant Server 0.00062; gnomAD 0.00064 and 0.00065; TOPMed 0.00070; 1000 Genomes Project 30x 0.00109; 1000 Genomes Project 0.00120.
gnomAD v4.1: 235 of 1,613,980 alleles (0.015%); highest among the groups gnomAD compares: African/African-American, 0.23%; no homozygotes.

Submissions (4):

PreventionGenetics, part of Exact Sciences
Classification: Likely benign for TRIM37-related condition. Last evaluated: 2026-03-25. Review status: criteria provided, single submitter. Criteria: ACMG Guidelines, 2015. Collection method: clinical testing. Allele origin: germline.
Comment: This variant is classified as likely benign based on ACMG/AMP sequence variant interpretation guidelines (Richards et al. 2015 PMID: 25741868, with internal and published modifications).

Labcorp Genetics (formerly Invitae), Labcorp
Classification: Likely benign. Last evaluated: 2026-01-16. Review status: criteria provided, single submitter. Criteria: Invitae Variant Classification Sherloc (09022015). Collection method: clinical testing. Allele origin: germline.

Blueprint Genetics
Classification: Likely benign. Last evaluated: 2024-11-01. Review status: criteria provided, single submitter. Criteria: ACMG Guidelines, 2015. Collection method: clinical testing. Allele origin: germline.

Illumina Laboratory Services, Illumina
Classification: Uncertain significance for Mulibrey nanism syndrome. Last evaluated: 2018-01-13. Review status: criteria provided, single submitter. Criteria: ICSL Variant Classification Criteria 13 December 2019. Collection method: clinical testing. Allele origin: germline.

NM_015294.6(TRIM37):c.2262A>G (p.Thr754=)

Gene: TRIM37 (tripartite motif containing 37; minus strand). Cytogenetic location: 17q22.
Variant type: single nucleotide variant.
Coding change: c.2262A>G on transcript NM_015294.6 (MANE Select); coding-DNA position 2262, A replaced by G.
Protein change: p.Thr754=; no amino-acid change (threonine 754 retained).
Molecular consequence: synonymous variant. On other transcripts: non-coding transcript variant (2).
Genome position (GRCh38, 1-based): chr17:59,017,420, T>C on the plus strand (A>G on the coding strand, the complement: TRIM37 is on the minus strand). VCF-style: chr17-59017420-T-C. GRCh37 (hg19) VCF-style: chr17-57094781-T-C.
Other names: c.2262A>G (NM_015294.4); c.2262A>G, p.Thr754= (NM_001005207.5, NM_001320988.3, NM_001320989.3 and 1 more transcripts); c.2160A>G, p.Thr720= (NM_001320987.3, NM_001353082.2); c.1896A>G, p.Thr632= (NM_001320990.3); c.1527A>G, p.Thr509= (NM_001353083.2); c.1800A>G, p.Thr600= (NM_001353085.2); c.2211A>G, p.Thr737= (NM_001353086.2).
Identifiers: ClinVar variation 891704 (VCV000891704.13), dbSNP rs187769000, ClinGen allele CA8678098.
Genomic context (GRCh38, chr17:59,017,420, plus strand): 5'-AAGTGATAGACTACCTGCTACACTGGATCGAGCTGGCTTGGGCGAATTACTCTTCTTATT[T>C]GTGGCTGCAAAGACATTTAAGAACACCTCTGAATAGGCTACTACAGCACAAAACTCACTA-3'
Protein context (NP_056109.1, residues 744-764): SVANCYIRNS[Thr754=]NKKSNSPKPA